The following is an entry in ClinVar:

ClinVar aggregate classification (germline): Uncertain significance (1 of 4 stars; one submission).

Conditions:
Hypertrophic cardiomyopathy. Also called: HYPERTROPHIC MYOCARDIOPATHY. Identifiers: Orphanet 217569, MedGen C0007194, MeSH D002312, MONDO:0005045, HP:0001639.

Allele frequency attached by ClinVar (database versions not stated): gnomAD exomes below 0.00001.
gnomAD v4.1: 2 of 1,613,390 alleles (0.00012%); highest among the groups gnomAD compares: Non-Finnish European, 0.00017%; no homozygotes.

Submission:

Labcorp Genetics (formerly Invitae), Labcorp
Classification: Uncertain significance for Hypertrophic cardiomyopathy. Last evaluated: 2022-01-07. Review status: criteria provided, single submitter. Criteria: Invitae Variant Classification Sherloc (09022015). Collection method: clinical testing. Allele origin: germline.
Comment: In summary, the available evidence is currently insufficient to determine the role of this variant in disease. Therefore, it has been classified as a Variant of Uncertain Significance. This sequence change replaces glutamic acid, which is acidic and polar, with aspartic acid, which is acidic and polar, at codon 1388 of the MYH7 protein (p.Glu1388Asp). This variant is not present in population databases (gnomAD no frequency). This variant has not been reported in the literature in individuals affected with MYH7-related conditions. ClinVar contains an entry for this variant (Variation ID: 1062792). Algorithms developed to predict the effect of missense changes on protein structure and function are either unavailable or do not agree on the potential impact of this missense change (SIFT: "Deleterious"; PolyPhen-2: "Benign"; Align-GVGD: "Class C0").

NM_000257.4(MYH7):c.4164G>T (p.Glu1388Asp)

Gene: MYH7 (myosin heavy chain 7; minus strand). Cytogenetic location: 14q11.2.
Variant type: single nucleotide variant.
Coding change: c.4164G>T on transcript NM_000257.4 (MANE Select); coding-DNA position 4164, G replaced by T.
Protein change: p.Glu1388Asp; replaces glutamic acid 1388 with aspartic acid.
Molecular consequence: missense variant.
Genome position (GRCh38, 1-based): chr14:23,418,215, C>A on the plus strand (G>T on the coding strand, the complement: MYH7 is on the minus strand). VCF-style: chr14-23418215-C-A. GRCh37 (hg19) VCF-style: chr14-23887424-C-A.
Other names: short protein forms E1388D.
Identifiers: ClinVar variation 1062792 (VCV001062792.9), dbSNP rs1595076087, ClinGen allele CA389040713.